The following is an entry in ClinVar:

NM_001378454.1(ALMS1):c.5183A>G (p.Asp1728Gly)

Gene: ALMS1 (ALMS1 centrosome and basal body associated protein; plus strand). Cytogenetic location: 2p13.1.
Variant type: single nucleotide variant.
Coding change: c.5183A>G on transcript NM_001378454.1 (MANE Select); coding-DNA position 5183, A replaced by G.
Protein change: p.Asp1728Gly; replaces aspartic acid 1728 with glycine.
Molecular consequence: missense variant.
Genome position (GRCh38, 1-based): chr2:73,451,710, A>G. VCF-style: chr2-73451710-A-G. GRCh37 (hg19) VCF-style: chr2-73678837-A-G.
Other names: c.5186A>G, p.Asp1729Gly (NM_015120.4); short protein forms D1729G, D1728G.
Identifiers: ClinVar variation 252691 (VCV000252691.3), dbSNP rs879255405, ClinGen allele CA10585971.
Genomic context (GRCh38, chr2:73,451,710, plus strand): 5'-CCTCTAGTTTATACTCATATAGAGAGAAGCCCATTGTCTTCTACCAACAGGCCCTGCCAG[A>G]CAGTGAGCTAACTCAAGAAGCTCTGAAAGTTTCAGCTGTTCCTCAACCAGCTGACCAGAA-3'
Protein context (NP_001365383.1, residues 1718-1738): PIVFYQQALP[Asp1728Gly]SELTQEALKV

ClinVar aggregate classification (germline): Conflicting classifications of pathogenicity. Review status: criteria provided, conflicting classifications (1 of 4 stars). 2 submissions from 2 submitters: Uncertain significance (1); Likely benign (1). Last evaluated 2019-09-23.

Conditions:
ALMS1-related disorder. Also called: ALMS1-related condition.

Submissions (2):

PreventionGenetics, part of Exact Sciences
Classification: Likely benign for ALMS1-related condition. Last evaluated: 2019-09-23. Review status: criteria provided, single submitter. Criteria: ACMG Guidelines, 2015. Collection method: clinical testing. Allele origin: germline.
Comment: This variant is classified as likely benign based on ACMG/AMP sequence variant interpretation guidelines (Richards et al. 2015 PMID: 25741868, with internal and published modifications).

Genomic Diagnostic Laboratory, Division of Genomic Diagnostics, Children's Hospital of Philadelphia
Classification: Uncertain significance. Last evaluated: 2015-08-24. Review status: criteria provided, single submitter. Criteria: DGD Variant Analysis Guidelines. Collection method: clinical testing. Allele origin: unknown.